The following is an entry in ClinVar:

NM_001232.4(CASQ2):c.576C>A (p.Tyr192Ter)

Gene: CASQ2 (calsequestrin 2; minus strand). Cytogenetic location: 1p13.1.
Variant type: single nucleotide variant.
Coding change: c.576C>A on transcript NM_001232.4 (MANE Select); coding-DNA position 576, C replaced by A.
Protein change: p.Tyr192Ter; replaces tyrosine 192 with a stop codon.
Molecular consequence: nonsense.
Genome position (GRCh38, 1-based): chr1:115,732,931, G>T on the plus strand (C>A on the coding strand, the complement: CASQ2 is on the minus strand). VCF-style: chr1-115732931-G-T. GRCh37 (hg19) VCF-style: chr1-116275552-G-T.
Other names: c.576C>A (NM_001232.3); short protein forms Y192*.
Identifiers: ClinVar variation 1367739 (VCV001367739.12), dbSNP rs758748280, ClinGen allele CA341768994.

ClinVar aggregate classification (germline): Pathogenic/Likely pathogenic. Review status: criteria provided, multiple submitters, no conflicts (2 of 4 stars). 6 submissions from 6 submitters: Pathogenic (3); Likely pathogenic (3). Last evaluated 2025-02-28.

Conditions:
Catecholaminergic polymorphic ventricular tachycardia 2. Also called: CASQ2-Related Catecholaminergic Polymorphic Ventricular Tachycardia; VENTRICULAR TACHYCARDIA, STRESS-INDUCED POLYMORPHIC 2. Identifiers: Orphanet 3286, MedGen C2677794, MONDO:0012762, OMIM 611938.
Catecholaminergic polymorphic ventricular tachycardia 1. Also called: RYR2-Related Catecholaminergic Polymorphic Ventricular Tachycardia; VENTRICULAR TACHYCARDIA, CATECHOLAMINERGIC POLYMORPHIC, 1, WITH OR WITHOUT ATRIAL DYSFUNCTION AND/OR DILATED CARDIOMYOPATHY; VENTRICULAR TACHYCARDIA, STRESS-INDUCED POLYMORPHIC 1. Identifiers: Orphanet 3286, MedGen C1631597, MONDO:0011484, OMIM 604772.
Cardiovascular phenotype. Identifiers: MedGen CN230736.

Allele frequency attached by ClinVar (database versions not stated): gnomAD 0.00001.
gnomAD v4.1: 5 of 1,613,754 alleles (0.00031%); highest among the groups gnomAD compares: Admixed American, 0.0017%; no homozygotes.

Submissions (6):

Dasa
Classification: Pathogenic. Last evaluated: 2025-02-28. Review status: criteria provided, single submitter. Criteria: DASA Assertion Criteria. Collection method: clinical testing. Allele origin: germline.
Comment: NM_001232.4(CASQ2):c.576C>A (p.Tyr192*) introduces a premature termination codon predicted to result in loss of normal protein function. Loss-of-function is an established mechanism of disease for this gene. This variant has been reported in individuals with related phenotype. The variant is present at low frequency in population datasets. Based on the available data, this variant is classified as pathogenic.

GeneDx
Classification: Likely pathogenic. Last evaluated: 2025-01-14. Review status: criteria provided, single submitter. Criteria: GeneDx Variant Classification Process June 2021. Collection method: clinical testing. Allele origin: germline. Affected: yes.
Comment: Has not been previously published as pathogenic or benign to our knowledge; Not observed at significant frequency in large population cohorts (gnomAD); Nonsense variant predicted to result in protein truncation or nonsense mediated decay in a gene for which loss of function is a known mechanism of disease

Ambry Genetics
Classification: Pathogenic for Cardiovascular phenotype. Last evaluated: 2024-05-01. Review status: criteria provided, single submitter. Criteria: Ambry Variant Classification Scheme 2023. Collection method: clinical testing. Allele origin: germline.
Comment: The p.Y192* pathogenic mutation (also known as c.576C>A), located in coding exon 5 of the CASQ2 gene, results from a C to A substitution at nucleotide position 576. This changes the amino acid from a tyrosine to a stop codon within coding exon 5. This variant is considered to be rare based on population cohorts in the Genome Aggregation Database (gnomAD). This alteration is expected to result in loss of function by premature protein truncation or nonsense-mediated mRNA decay. As such, this alteration is interpreted as a disease-causing mutation.

Labcorp Genetics (formerly Invitae), Labcorp
Classification: Pathogenic for Catecholaminergic polymorphic ventricular tachycardia 1. Last evaluated: 2024-04-15. Review status: criteria provided, single submitter. Criteria: Invitae Variant Classification Sherloc (09022015). Collection method: clinical testing. Allele origin: germline.
Comment: This sequence change creates a premature translational stop signal (p.Tyr192*) in the CASQ2 gene. It is expected to result in an absent or disrupted protein product. Loss-of-function variants in CASQ2 are known to be pathogenic (PMID: 12386154). This variant is present in population databases (no rsID available, gnomAD 0.003%). This variant has not been reported in the literature in individuals affected with CASQ2-related conditions. ClinVar contains an entry for this variant (Variation ID: 1367739). For these reasons, this variant has been classified as Pathogenic.

Genome-Nilou Lab
Classification: Likely pathogenic for Catecholaminergic polymorphic ventricular tachycardia 2. Last evaluated: 2023-04-11. Review status: criteria provided, single submitter. Criteria: ACMG Guidelines, 2015. Collection method: clinical testing. Allele origin: germline. Affected: no.

Fulgent Genetics
Classification: Likely pathogenic for Catecholaminergic polymorphic ventricular tachycardia 1; Catecholaminergic polymorphic ventricular tachycardia 2. Last evaluated: 2021-09-16. Review status: criteria provided, single submitter. Criteria: ACMG Guidelines, 2015. Collection method: clinical testing. Allele origin: unknown.

Literature cited by the submitters: PubMed 12386154 (cited by Labcorp Genetics (formerly Invitae), Labcorp).